The following is an entry in ClinVar:

ClinVar aggregate classification (germline): Uncertain significance (1 of 4 stars; one submission).

Conditions:
Charcot-Marie-Tooth disease type 2. Also called: Charcot-Marie-Tooth type 2. Identifiers: Orphanet 64746, MedGen C0270914, MONDO:0018993.

Submission:

Labcorp Genetics (formerly Invitae), Labcorp
Classification: Uncertain significance for Charcot-Marie-Tooth disease type 2. Last evaluated: 2022-09-01. Review status: criteria provided, single submitter. Criteria: Invitae Variant Classification Sherloc (09022015). Collection method: clinical testing. Allele origin: germline.
Comment: This sequence change replaces valine, which is neutral and non-polar, with isoleucine, which is neutral and non-polar, at codon 643 of the GARS protein (p.Val643Ile). In summary, the available evidence is currently insufficient to determine the role of this variant in disease. Therefore, it has been classified as a Variant of Uncertain Significance. Algorithms developed to predict the effect of missense changes on protein structure and function output the following: SIFT: "Tolerated"; PolyPhen-2: "Benign"; Align-GVGD: "Class C0". The isoleucine amino acid residue is found in multiple mammalian species, which suggests that this missense change does not adversely affect protein function. ClinVar contains an entry for this variant (Variation ID: 543172). This variant has not been reported in the literature in individuals affected with GARS-related conditions. This variant is not present in population databases (gnomAD no frequency).

NM_002047.4(GARS1):c.1927G>A (p.Val643Ile)

Gene: GARS1 (glycyl-tRNA synthetase 1; plus strand). Cytogenetic location: 7p14.3.
Variant type: single nucleotide variant.
Coding change: c.1927G>A on transcript NM_002047.4 (MANE Select); coding-DNA position 1927, G replaced by A.
Protein change: p.Val643Ile; replaces valine 643 with isoleucine.
Molecular consequence: missense variant.
Genome position (GRCh38, 1-based): chr7:30,632,270, G>A. VCF-style: chr7-30632270-G-A. GRCh37 (hg19) VCF-style: chr7-30671886-G-A.
Other names: c.1765G>A, p.Val589Ile (NM_001316772.1); c.1927G>A (LRG_243t1); short protein forms V643I, V589I.
Identifiers: ClinVar variation 543172 (VCV000543172.10), dbSNP rs1554340789, ClinGen allele CA367130345.
Genomic context (GRCh38, chr7:30,632,270, plus strand): 5'-TGTTTTATTTTTAATTTACTTTGTTTATTTTGGATAGCGGAAGCCCTGACCAGGCATGGA[G>A]TATCTCACAAAGTAGACGATTCCTCTGGGTCAATCGGAAGGCGCTATGCCAGGACTGATG-3'
Protein context (NP_002038.2, residues 633-653): ELSEALTRHG[Val643Ile]SHKVDDSSGS